The following is an entry in ClinVar:

ClinVar aggregate classification (germline): Likely pathogenic (1 of 4 stars; one submission).

gnomAD v4.1: 1 of 1,613,396 alleles (0.000062%); highest among the groups gnomAD compares: Admixed American, 0.0017%; no homozygotes.

Submission:

GeneDx
Classification: Likely pathogenic. Last evaluated: 2025-02-19. Review status: criteria provided, single submitter. Criteria: GeneDx Variant Classification Process June 2021. Collection method: clinical testing. Allele origin: germline. Affected: yes.
Comment: Canonical splice site variant predicted to result in an in-frame loss of the adjacent exon in a gene for which loss of function is a known mechanism of disease; Not observed at significant frequency in large population cohorts (gnomAD); Has not been previously published as pathogenic or benign to our knowledge

NM_006567.5(FARS2):c.904+1G>T

Gene: FARS2 (phenylalanyl-tRNA synthetase 2, mitochondrial; plus strand). Cytogenetic location: 6p25.1.
Variant type: single nucleotide variant.
Coding change: c.904+1G>T on transcript NM_006567.5 (MANE Select); the canonical splice donor site of the intron after coding-DNA position 904, G replaced by T.
Molecular consequence: splice donor variant. On other transcripts: intron variant (1).
Genome position (GRCh38, 1-based): chr6:5,431,173, G>T. VCF-style: chr6-5431173-G-T. GRCh37 (hg19) VCF-style: chr6-5431406-G-T.
Other names: c.904+1G>T (NM_001374878.1, NM_001318872.2, NM_001374877.1 and 4 more transcripts); c.772+26472G>T (NM_001375258.1); c.208+1G>T (NM_001375260.1, NM_001375259.1).
Identifiers: ClinVar variation 4076590 (VCV004076590.1).